The following is an entry in ClinVar:

NM_145886.4(PIDD1):c.1399del (p.Leu467fs)

Gene: PIDD1 (p53-induced death domain protein 1; minus strand). Cytogenetic location: 11p15.5.
Variant type: Deletion.
Coding change: c.1399del on transcript NM_145886.4 (MANE Select); coding-DNA position 1399, one base deleted (C; older notation c.1399delC).
Protein change: p.Leu467fs; shifts the reading frame from leucine 467.
Molecular consequence: frameshift variant.
Genome position (GRCh38, 1-based): chr11:801,528, G deleted on the plus strand (C on the coding strand, the reverse complement: PIDD1 is on the minus strand). VCF-style (leftmost placement, unchanged base first): chr11-801527-AG-A. GRCh37 (hg19) VCF-style: chr11-801527-AG-A.
Other names: c.1399del, p.Leu467fs (NM_145887.4); short protein forms L467fs.
Identifiers: ClinVar variation 4988523 (VCV004988523.1).
Genomic context (GRCh38, chr11:801,527, plus strand): 5'-TCCTCAGTGGCCCCAGGGGGGAAGATGACTTTGACCCCAGGATGACCCGAGGAGCACAGC[AG>A]TGTCCCCTCCGGTGGCACCAGGCAGGCATTGGACACAGGGCGGGAAACCACAAGGAACCA-3'

ClinVar aggregate classification (germline): Likely pathogenic (1 of 4 stars; one submission).

Conditions:
PIDD1-related disorder. Also called: PIDD1-related condition.

Submission:

PreventionGenetics, part of Exact Sciences
Classification: Likely pathogenic for PIDD1-related condition. Last evaluated: 2024-12-07. Review status: criteria provided, single submitter. Criteria: ACMG Guidelines, 2015. Collection method: clinical testing. Allele origin: germline.
Comment: The PIDD1 c.1399delC variant is predicted to result in a frameshift and premature protein termination (p.Leu467Cysfs*48). To our knowledge, this variant has not been reported in the literature or in a large population database (gnomAD), indicating this variant is rare. Frameshift variants in PIDD1 are expected to be pathogenic. This variant is interpreted as likely pathogenic.